The following is an entry in ClinVar:

NM_000338.3(SLC12A1):c.510T>A (p.Asp170Glu)

Gene: SLC12A1 (solute carrier family 12 member 1; plus strand). Cytogenetic location: 15q21.1.
Variant type: single nucleotide variant.
Coding change: c.510T>A on transcript NM_000338.3 (MANE Select); coding-DNA position 510, T replaced by A.
Protein change: p.Asp170Glu; replaces aspartic acid 170 with glutamic acid.
Molecular consequence: missense variant.
Genome position (GRCh38, 1-based): chr15:48,220,723, T>A. VCF-style: chr15-48220723-T-A. GRCh37 (hg19) VCF-style: chr15-48512920-T-A.
Other names: c.510T>A, p.Asp170Glu (NM_001184832.2); short protein forms D170E.
Identifiers: ClinVar variation 64412 (VCV000064412.2), dbSNP rs387907465, ClinGen allele CA216086.
Genomic context (GRCh38, chr15:48,220,723, plus strand): 5'-CAGAGTTGCTAACGGTGATGGGATACCTGGAGATGAACAAGCTGAAAATAAGGAAGATGA[T>A]CAAGCTGGTGTTGTGAAGTTTGGATGGGTGAAAGGTGTGCTGGTGAGAAAGCTCTTCTGT-3'
Protein context (NP_000329.2, residues 160-180): GDEQAENKED[Asp170Glu]QAGVVKFGWV

ClinVar aggregate classification (germline): Uncertain significance (0 of 4 stars; one submission).

Submission:

Martin Pollak Laboratory,  Beth Israel Deaconess Medical Center
Classification: Uncertain significance. Review status: no assertion criteria provided. Collection method: not provided. Allele origin: unknown.
Comment: Lower and higher UCa2+ groups
ClinVar note: Converted during submission from unknown to Uncertain significance.